The following is an entry in ClinVar:

NM_004415.4(DSP):c.1822A>G (p.Ile608Val)

Gene: DSP (desmoplakin; plus strand). Cytogenetic location: 6p24.3.
Variant type: single nucleotide variant.
Coding change: c.1822A>G on transcript NM_004415.4 (MANE Select); coding-DNA position 1822, A replaced by G.
Protein change: p.Ile608Val; replaces isoleucine 608 with valine.
Molecular consequence: missense variant.
Genome position (GRCh38, 1-based): chr6:7,571,503, A>G. VCF-style: chr6-7571503-A-G. GRCh37 (hg19) VCF-style: chr6-7571736-A-G.
Other names: c.1822A>G, p.Ile608Val (NM_001008844.3, NM_001319034.2); short protein forms I608V.
Identifiers: ClinVar variation 4759036 (VCV004759036.1).

ClinVar aggregate classification (germline): Uncertain significance (1 of 4 stars; one submission).

Conditions:
Cardiomyopathy (CMYO). Also called: Cardiomyopathies. Identifiers: Orphanet 167848, MedGen C0878544, MONDO:0004994, HP:0001638. Inheritance: Various modes of inheritance.

Submission:

Color Diagnostics, LLC DBA Color Health
Classification: Uncertain significance for Cardiomyopathy. Last evaluated: 2025-07-25. Review status: criteria provided, single submitter. Criteria: ACMG Guidelines, 2015. Collection method: clinical testing. Allele origin: germline.
Comment: This missense variant replaces isoleucine with valine at codon 608 of the DSP protein. Computational prediction suggests that this variant may not impact protein structure and function. To our knowledge, functional studies have not been reported for this variant. This variant has not been reported in individuals affected with DSP-related disorders in the literature. This variant has not been identified in the general population by the Genome Aggregation Database (gnomAD). The available evidence is insufficient to determine the role of this variant in disease conclusively. Therefore, this variant is classified as a Variant of Uncertain Significance.